The following is an entry in ClinVar:

ClinVar aggregate classification (germline): Uncertain significance (1 of 4 stars; one submission).

Conditions:
H syndrome. Also called: Asrar Facharzt Haque syndrome; HISTIOCYTOSIS AND LYMPHADENOPATHY WITH OR WITHOUT CUTANEOUS, CARDIAC, AND/OR ENDOCRINE FEATURES, JOINT CONTRACTURES, AND/OR DEAFNESS; HYPERPIGMENTATION, CUTANEOUS, WITH HYPERTRICHOSIS, HEPATOSPLENOMEGALY, HEART ANOMALIES, AND HYPOGONADISM WITH OR WITHOUT HEARING LOSS; PIGMENTED HYPERTRICHOSIS WITH INSULIN-DEPENDENT DIABETES MELLITUS; ROSAI-DORFMAN DISEASE, FAMILIAL; SINUS HISTIOCYTOSIS AND MASSIVE LYMPHADENOPATHY. Identifiers: Orphanet 168569, MedGen C1864445, MONDO:0011273, OMIM 602782.

Allele frequency attached by ClinVar (database versions not stated): TOPMed 0.00004.

Submission:

Labcorp Genetics (formerly Invitae), Labcorp
Classification: Uncertain significance for H syndrome. Last evaluated: 2025-03-13. Review status: criteria provided, single submitter. Criteria: Invitae Variant Classification Sherloc (09022015). Collection method: clinical testing. Allele origin: germline.
Comment: This sequence change replaces glutamic acid, which is acidic and polar, with lysine, which is basic and polar, at codon 275 of the SLC29A3 protein (p.Glu275Lys). This variant is present in population databases (no rsID available, gnomAD 0.007%). This variant has not been reported in the literature in individuals affected with SLC29A3-related conditions. ClinVar contains an entry for this variant (Variation ID: 1950391). Invitae Evidence Modeling of protein sequence and biophysical properties (such as structural, functional, and spatial information, amino acid conservation, physicochemical variation, residue mobility, and thermodynamic stability) indicates that this missense variant is not expected to disrupt SLC29A3 protein function with a negative predictive value of 95%. In summary, the available evidence is currently insufficient to determine the role of this variant in disease. Therefore, it has been classified as a Variant of Uncertain Significance.

NM_018344.6(SLC29A3):c.823G>A (p.Glu275Lys)

Gene: SLC29A3 (solute carrier family 29 member 3; plus strand). Cytogenetic location: 10q22.1.
Variant type: single nucleotide variant.
Coding change: c.823G>A on transcript NM_018344.6 (MANE Select); coding-DNA position 823, G replaced by A.
Protein change: p.Glu275Lys; replaces glutamic acid 275 with lysine.
Molecular consequence: missense variant. On other transcripts: 3 prime UTR variant (1), non-coding transcript variant (2).
Genome position (GRCh38, 1-based): chr10:71,362,003, G>A. VCF-style: chr10-71362003-G-A. GRCh37 (hg19) VCF-style: chr10-73121760-G-A.
Other names: c.*52G>A (NM_001174098.2); c.589G>A, p.Glu197Lys (NM_001363518.2); short protein forms E197K, E275K.
Identifiers: ClinVar variation 1950391 (VCV001950391.5), dbSNP rs987668742, ClinGen allele CA209387715.